The following is an entry in ClinVar:

ClinVar aggregate classification (germline): Conflicting classifications of pathogenicity. Review status: criteria provided, conflicting classifications (1 of 4 stars). 3 submissions from 3 submitters: Uncertain significance (1); Benign (1); Likely benign (1). Last evaluated 2023-12-11.

Conditions:
Hereditary cancer-predisposing syndrome. Also called: Hereditary neoplastic syndrome; Neoplastic Syndromes, Hereditary; Tumor predisposition; Hereditary Cancer Syndrome. Identifiers: Orphanet 140162, MedGen C0027672, MeSH D009386, MONDO:0015356.

Allele frequency attached by ClinVar (database versions not stated): gnomAD 0.00001; gnomAD exomes 0.00001 and 0.00002; TOPMed 0.00001; ExAC 0.00002.
gnomAD v4.1: 8 of 1,612,564 alleles (0.0005%); highest among the groups gnomAD compares: Admixed American, 0.013%; no homozygotes.

Submissions (3):

Color Diagnostics, LLC DBA Color Health
Classification: Uncertain significance for Hereditary cancer-predisposing syndrome. Last evaluated: 2023-12-11. Review status: criteria provided, single submitter. Criteria: ACMG Guidelines, 2015. Collection method: clinical testing. Allele origin: germline.
Comment: This variant causes a T>C nucleotide substitution at the -14 position of the 5' untranslated region of the ATM gene. To our knowledge, functional studies have not been performed for this variant. This variant has not been reported in individuals affected with hereditary cancer in the literature. This variant has been identified in 4/251356 chromosomes in the general population by the Genome Aggregation Database (gnomAD). The available evidence is insufficient to determine the role of this variant in disease conclusively. Therefore, this variant is classified as a Variant of Uncertain Significance.

PreventionGenetics, part of Exact Sciences
Classification: Likely benign. Last evaluated: 2017-11-10. Review status: criteria provided, single submitter. Criteria: ACMG Guidelines, 2015. Collection method: clinical testing. Allele origin: germline.

GeneDx
Classification: Benign. Last evaluated: 2015-08-04. Review status: criteria provided, single submitter. Criteria: GeneDx Variant Classification Process June 2021. Collection method: clinical testing. Allele origin: germline. Affected: yes.

NM_000051.4(ATM):c.-14T>C

Gene: ATM (ATM serine/threonine kinase; plus strand). Cytogenetic location: 11q22.3.
Variant type: single nucleotide variant.
Coding change: c.-14T>C on transcript NM_000051.4 (MANE Select); 14 bases upstream of the start codon, T replaced by C.
Molecular consequence: 5 prime UTR variant.
Genome position (GRCh38, 1-based): chr11:108,227,611, T>C. VCF-style: chr11-108227611-T-C. GRCh37 (hg19) VCF-style: chr11-108098338-T-C.
Other names: c.-14T>C (NM_001351834.2, NM_001351835.2, NM_001351836.2).
Identifiers: ClinVar variation 560750 (VCV000560750.11), dbSNP rs766166610, ClinGen allele CA6264494.